The following is an entry in ClinVar:

NM_000138.5(FBN1):c.1120C>T (p.Pro374Ser)

Genes: FBN1 (fibrillin 1; minus strand), LOC113939944 (Sharpr-MPRA regulatory region 9539; plus strand). Cytogenetic location: 15q21.1.
Variant type: single nucleotide variant.
Coding change: c.1120C>T on transcript NM_000138.5 (MANE Select); coding-DNA position 1120, C replaced by T.
Protein change: p.Pro374Ser; replaces proline 374 with serine.
Molecular consequence: missense variant.
Genome position (GRCh38, 1-based): chr15:48,520,686, G>A on the plus strand (C>T on the coding strand, the complement: FBN1 is on the minus strand). VCF-style: chr15-48520686-G-A. GRCh37 (hg19) VCF-style: chr15-48812883-G-A.
Other names: c.1120C>T, p.Pro374Ser (NM_001406716.1); short protein forms P374S.
Identifiers: ClinVar variation 2498040 (VCV002498040.1), dbSNP rs2505628738, ClinGen allele CA392347189.

ClinVar aggregate classification (germline): Uncertain significance (1 of 4 stars; one submission).

Submission:

GeneDx
Classification: Uncertain significance. Last evaluated: 2022-10-06. Review status: criteria provided, single submitter. Criteria: GeneDx Variant Classification Process June 2021. Collection method: clinical testing. Allele origin: germline. Affected: yes.
Comment: Not observed at significant frequency in large population cohorts (gnomAD); In silico analysis supports that this missense variant has a deleterious effect on protein structure/function; Has not been previously published as pathogenic or benign to our knowledge; Does not affect a cysteine residue within a calcium-binding EGF-like domain or a TGF-binding protein domain of the FBN1 gene; cysteine substitutions in the calcium-binding EGF-like domains represent the majority of pathogenic missense changes associated with FBN1-related disorders (Collod-Beroud et al., 2003); This variant is associated with the following publications: (PMID: 12938084)